The following is an entry in ClinVar:

ClinVar aggregate classification (germline): Uncertain significance (1 of 4 stars; one submission).

Conditions:
Dilated cardiomyopathy 1W (CMD1W). Identifiers: Orphanet 154, MedGen C1969639, MONDO:0012667, OMIM 611407.

Submission:

Labcorp Genetics (formerly Invitae), Labcorp
Classification: Uncertain significance for Dilated cardiomyopathy 1W. Last evaluated: 2025-04-02. Review status: criteria provided, single submitter. Criteria: Invitae Variant Classification Sherloc (09022015). Collection method: clinical testing. Allele origin: germline.
Comment: This sequence change replaces alanine, which is neutral and non-polar, with threonine, which is neutral and polar, at codon 257 of the VCL protein (p.Ala257Thr). Information on the frequency of this variant in the gnomAD database is not available, as this variant may be reported differently in the database. This variant has not been reported in the literature in individuals affected with VCL-related conditions. Experimental studies and prediction algorithms are not available or were not evaluated, and the functional significance of this variant is currently unknown. In summary, the available evidence is currently insufficient to determine the role of this variant in disease. Therefore, it has been classified as a Variant of Uncertain Significance.

NM_014000.3(VCL):c.768_769inv (p.Ala257Thr)

Gene: VCL (vinculin; plus strand). Cytogenetic location: 10q22.2.
Variant type: Inversion.
Coding change: c.768_769inv on transcript NM_014000.3 (MANE Select).
Protein change: p.Ala257Thr; replaces alanine 257 with threonine.
Molecular consequence: missense variant.
Genome position: GRCh38 VCF-style: chr10-74074888-TG-CA. GRCh37 (hg19) VCF-style: chr10-75834646-TG-CA.
Other names: c.768_769inv, p.Ala257Thr (NM_003373.4); short protein forms A257T.
Identifiers: ClinVar variation 4716556 (VCV004716556.1).